The following is an entry in ClinVar:

NM_001374828.1(ARID1B):c.4555T>C (p.Tyr1519His)

Gene: ARID1B (AT-rich interaction domain 1B; plus strand). Cytogenetic location: 6q25.3.
Variant type: single nucleotide variant.
Coding change: c.4555T>C on transcript NM_001374828.1 (MANE Select); coding-DNA position 4555, T replaced by C.
Protein change: p.Tyr1519His; replaces tyrosine 1519 with histidine.
Molecular consequence: missense variant.
Genome position (GRCh38, 1-based): chr6:157,200,780, T>C. VCF-style: chr6-157200780-T-C. GRCh37 (hg19) VCF-style: chr6-157521914-T-C.
Other names: c.4306T>C, p.Tyr1436His (NM_001346813.1); c.2056T>C, p.Tyr686His (NM_001363725.2); c.4435T>C, p.Tyr1479His (NM_001371656.1, NM_001374820.1); c.4396T>C, p.Tyr1466His (NM_017519.3); c.4186T>C, p.Tyr1396His (NM_020732.3); c.3973T>C, p.Tyr1325His (NM_175863.2); short protein forms Y1466H, Y686H, Y1325H, Y1436H, Y1519H, Y1396H, Y1479H.
Identifiers: ClinVar variation 1956405 (VCV001956405.5), dbSNP rs1794042426, ClinGen allele CA366240916.

ClinVar aggregate classification (germline): Uncertain significance (1 of 4 stars; one submission).

Allele frequency attached by ClinVar (database versions not stated): TOPMed below 0.00001.

Submission:

Labcorp Genetics (formerly Invitae), Labcorp
Classification: Uncertain significance. Last evaluated: 2022-03-25. Review status: criteria provided, single submitter. Criteria: Invitae Variant Classification Sherloc (09022015). Collection method: clinical testing. Allele origin: germline.
Comment: In summary, the available evidence is currently insufficient to determine the role of this variant in disease. Therefore, it has been classified as a Variant of Uncertain Significance. Algorithms developed to predict the effect of missense changes on protein structure and function (SIFT, PolyPhen-2, Align-GVGD) all suggest that this variant is likely to be disruptive. This variant has not been reported in the literature in individuals affected with ARID1B-related conditions. This variant is not present in population databases (gnomAD no frequency). This sequence change replaces tyrosine, which is neutral and polar, with histidine, which is basic and polar, at codon 1396 of the ARID1B protein (p.Tyr1396His).